The following is an entry in ClinVar:

ClinVar aggregate classification (germline): Uncertain significance (1 of 4 stars; one submission).

Submission:

Ambry Genetics
Classification: Uncertain significance. Last evaluated: 2025-08-12. Review status: criteria provided, single submitter. Criteria: Ambry Variant Classification Scheme 2023. Collection method: clinical testing. Allele origin: germline.
Comment: The p.I1514N variant (also known as c.4541T>A), located in coding exon 33 of the MYOM1 gene, results from a T to A substitution at nucleotide position 4541. The isoleucine at codon 1514 is replaced by asparagine, an amino acid with dissimilar properties. This amino acid position is conserved. In addition, the in silico prediction for this alteration is inconclusive. Based on the available evidence, the clinical significance of this variant remains unclear.

NM_003803.4(MYOM1):c.4541T>A (p.Ile1514Asn)

Gene: MYOM1 (myomesin 1; minus strand). Cytogenetic location: 18p11.31.
Variant type: single nucleotide variant.
Coding change: c.4541T>A on transcript NM_003803.4 (MANE Select); coding-DNA position 4541, T replaced by A.
Protein change: p.Ile1514Asn; replaces isoleucine 1514 with asparagine.
Molecular consequence: missense variant.
Genome position (GRCh38, 1-based): chr18:3,079,286, A>T on the plus strand (T>A on the coding strand, the complement: MYOM1 is on the minus strand). VCF-style: chr18-3079286-A-T. GRCh37 (hg19) VCF-style: chr18-3079284-A-T.
Other names: c.4253T>A, p.Ile1418Asn (NM_019856.2); short protein forms I1418N, I1514N.
Identifiers: ClinVar variation 4115981 (VCV004115981.1).
Genomic context (GRCh38, chr18:3,079,286, plus strand): 5'-AAGAGCTCCATGACATACTTCCCTTTGTCATTCGGGGTGGGCTCGTTGATTTGTAGCCAG[A>T]TCTGCTCTCCAGTGACCCCGGTCTTAACTCTGTCTGAGTACCTAATGGCGGACCCACTGT-3'
Protein context (NP_003794.3, residues 1504-1524): RVKTGVTGEQ[Ile1514Asn]WLQINEPTPN